The following is an entry in ClinVar:

NM_147127.5(EVC2):c.2791C>T (p.Leu931Phe)

Gene: EVC2 (EvC ciliary complex subunit 2; minus strand). Cytogenetic location: 4p16.2.
Variant type: single nucleotide variant.
Coding change: c.2791C>T on transcript NM_147127.5 (MANE Select); coding-DNA position 2791, C replaced by T.
Protein change: p.Leu931Phe; replaces leucine 931 with phenylalanine.
Molecular consequence: missense variant.
Genome position (GRCh38, 1-based): chr4:5,615,460, G>A on the plus strand (C>T on the coding strand, the complement: EVC2 is on the minus strand). VCF-style: chr4-5615460-G-A. GRCh37 (hg19) VCF-style: chr4-5617187-G-A.
Other names: c.2551C>T, p.Leu851Phe (NM_001166136.2); short protein forms L931F, L851F.
Identifiers: ClinVar variation 429867 (VCV000429867.3), dbSNP rs749339159, ClinGen allele CA2834582.

ClinVar aggregate classification (germline): Uncertain significance. Review status: criteria provided, multiple submitters, no conflicts (2 of 4 stars). 2 submissions from 2 submitters: Uncertain significance (2). Last evaluated 2026-06-15.

Conditions:
Inborn genetic diseases. Identifiers: MedGen C0950123, MeSH D030342.

Allele frequency attached by ClinVar (database versions not stated): gnomAD exomes below 0.00001; ExAC 0.00001; gnomAD 0.00001; TOPMed 0.00002.
gnomAD v4.1: 33 of 1,614,088 alleles (0.002%); highest among the groups gnomAD compares: Non-Finnish European, 0.0028%; no homozygotes.

Submissions (2):

Ambry Genetics
Classification: Uncertain significance for Inborn genetic diseases. Last evaluated: 2026-06-15. Review status: criteria provided, single submitter. Criteria: Ambry Variant Classification Scheme 2023. Collection method: clinical testing. Allele origin: germline.

GeneDx
Classification: Uncertain significance. Last evaluated: 2017-05-16. Review status: criteria provided, single submitter. Criteria: GeneDx Variant Classification (06012015). Collection method: clinical testing. Allele origin: germline. Affected: yes.
Comment: The L931F variant has not been published as a pathogenic variant, nor has it been reported as a benign variant to our knowledge. The L931F variant is not observed at a significant frequency in large population cohorts (Lek et al., 2016; 1000 Genomes Consortium et al., 2015; Exome Variant Server). The L931F variant is a conservative amino acid substitution, which is not likely to impact secondary protein structure as these residues share similar properties. This substitution occurs at a position where amino acids with similar properties to Leucine are tolerated across species. In silico analysis is inconsistent in its predictions as to whether or not the variant is damaging to the protein structure/function. A missense variant in a nearby residue (E926K) has been reported in the Human Gene Mutation Database in association with Ellis-van Creveld syndrome (Stenson et al., 2014), supporting the functional importance of this region of the protein.